The following is an entry in ClinVar:

NM_000143.4(FH):c.1020T>A (p.Asn340Lys)

Gene: FH (fumarate hydratase; minus strand). Cytogenetic location: 1q43.
Variant type: single nucleotide variant.
Coding change: c.1020T>A on transcript NM_000143.4 (MANE Select); coding-DNA position 1020, T replaced by A.
Protein change: p.Asn340Lys; replaces asparagine 340 with lysine.
Molecular consequence: missense variant.
Genome position (GRCh38, 1-based): chr1:241,504,130, A>T on the plus strand (T>A on the coding strand, the complement: FH is on the minus strand). VCF-style: chr1-241504130-A-T. GRCh37 (hg19) VCF-style: chr1-241667430-A-T.
Other names: p.N340K:AAT>AAA.
Identifiers: ClinVar variation 92447 (VCV000092447.29), dbSNP rs398123159, ClinGen allele CA285319.

ClinVar aggregate classification (germline): Pathogenic/Likely pathogenic. Review status: criteria provided, multiple submitters, no conflicts (2 of 4 stars). 12 submissions from 12 submitters: Pathogenic (9); Likely pathogenic (3). Last evaluated 2026-06-18.

Conditions:
FH-related disorder. Also called: FH-related condition; FH-related disorders.
Hereditary leiomyomatosis and renal cell cancer. Also called: FH tumor predisposition syndrome; Reed syndrome; Multiple cutaneous and uterine leiomyomatosis; Cutaneous leiomyomata with uterine leiomyomata; Leiomyoma, hereditary multiple, of skin; Multiple cutaneous and uterine leiomyomata. Identifiers: Orphanet 523, MedGen C1708350, MONDO:0007888, OMIM 150800, HP:0007437. Disease mechanism: loss of function.
Fumarase deficiency (FMRD). Also called: Fumaric aciduria; Fumarate Hydratase Deficiency. Identifiers: Orphanet 24, MedGen C0342770, MONDO:0011730, OMIM 606812.
Hereditary cancer-predisposing syndrome. Also called: Tumor predisposition; Neoplastic Syndromes, Hereditary; Hereditary neoplastic syndrome; Hereditary Cancer Syndrome. Identifiers: Orphanet 140162, MedGen C0027672, MeSH D009386, MONDO:0015356.

Allele frequency attached by ClinVar (database versions not stated): TOPMed 0.00001; gnomAD exomes 0.00001; ExAC 0.00001.

Submissions (12):

Clinical Genetics Laboratory, Skane University Hospital Lund
Classification: Likely pathogenic for Hereditary leiomyomatosis and renal cell cancer. Last evaluated: 2026-06-18. Review status: criteria provided, single submitter. Criteria: ACMG Guidelines, 2015. Collection method: clinical testing. Allele origin: germline. Affected: yes.
Comment: PS4, PM2, PP3

Labcorp Genetics (formerly Invitae), Labcorp
Classification: Pathogenic. Last evaluated: 2026-01-19. Review status: criteria provided, single submitter. Criteria: Invitae Variant Classification Sherloc (09022015). Collection method: clinical testing. Allele origin: germline.
Comment: This sequence change replaces asparagine, which is neutral and polar, with lysine, which is basic and polar, at codon 340 of the FH protein (p.Asn340Lys). This variant is present in population databases (rs398123159, gnomAD 0.003%). This missense change has been observed in individuals with hereditary leiomyomatosis and renal cell cancer (PMID: 12772087, 15937070, 26457356; internal data). It has also been observed to segregate with disease in related individuals. This variant is also known as 891T>A (N297K, N297D). ClinVar contains an entry for this variant (Variation ID: 92447). Invitae Evidence Modeling of protein sequence and biophysical properties (such as structural, functional, and spatial information, amino acid conservation, physicochemical variation, residue mobility, and thermodynamic stability) indicates that this missense variant is expected to disrupt FH protein function with a positive predictive value of 95%. For these reasons, this variant has been classified as Pathogenic.

Fulgent Genetics
Classification: Pathogenic for Hereditary leiomyomatosis and renal cell cancer; Fumarase deficiency. Last evaluated: 2024-06-11. Review status: criteria provided, single submitter. Criteria: ACMG Guidelines, 2015. Collection method: clinical testing. Allele origin: germline.

Baylor Genetics
Classification: Pathogenic for Fumarase deficiency. Last evaluated: 2024-03-02. Review status: criteria provided, single submitter. Criteria: ACMG Guidelines, 2015. Collection method: clinical testing. Allele origin: unknown.

Women's Health and Genetics/Laboratory Corporation of America, LabCorp
Classification: Pathogenic for Hereditary leiomyomatosis and renal cell cancer. Last evaluated: 2023-08-31. Review status: criteria provided, single submitter. Criteria: LabCorp Variant Classification Summary - May 2015. Collection method: clinical testing. Allele origin: germline.
Comment: Variant summary: FH c.1020T>A (p.Asn340Lys) results in a non-conservative amino acid change located in the N-terminal Fumarate lyase domain (IPR022761) of the encoded protein sequence. Five of five in-silico tools predict a damaging effect of the variant on protein function. The variant allele was found at a frequency of 1.2e-05 in 251316 control chromosomes. c.1020T>A has been reported in the literature in multiple individuals affected with Hereditary Leiomyomatosis And Renal Cell Cancer (example, Kamihara_2021, Truong_2021, Forde_2020, Joseph_2015, Wei_FH_JMG_2006, Toro_FH_AJHG_2003). These data indicate that the variant is very likely to be associated with disease. To our knowledge, no experimental evidence demonstrating an impact on protein function has been reported. The following publications have been ascertained in the context of this evaluation (PMID: 31831373, 26457356, 34994643, 12772087, 34654685, 15937070). Five submitters have cited clinical-significance assessments for this variant to ClinVar after 2014. All submitters classified the variant as pathogenic/likely pathogenic. Based on the evidence outlined above, the variant was classified as pathogenic.

Myriad Genetics, Inc.
Classification: Likely pathogenic for Hereditary leiomyomatosis and renal cell cancer. Last evaluated: 2023-07-06. Review status: criteria provided, single submitter. Criteria: Myriad Autosomal Dominant, Autosomal Recessive and X-Linked Classification Criteria (2023). Collection method: clinical testing. Allele origin: unknown.
Comment: This variant is considered likely pathogenic. This variant has been reported in multiple individuals with clinical features of gene-specific disease [PMID: 31831373, 31162287, 24441663, 15937070].

Ambry Genetics
Classification: Pathogenic for Hereditary cancer-predisposing syndrome. Last evaluated: 2023-05-26. Review status: criteria provided, single submitter. Criteria: Ambry Variant Classification Scheme 2023. Collection method: clinical testing. Allele origin: germline.
Comment: The p.N340K variant (also known as c.1020T>A), located in coding exon 7 of the FH gene, results from a T to A substitution at nucleotide position 1020. The asparagine at codon 340 is replaced by lysine, an amino acid with similar properties. This alteration, referred to as N297K or N297D in some literature, has been detected in multiple HLRCC families (Ambry internal data; Wei MH et al. J Med Genet. 2006 Jan;43(1):18-27; Toro JR et al. Am J Hum Genet. 2003 Jul;73(1):95-106; Picaud S et al. J Inherit Metab Dis. 2011 Jun;34(3):671-6). This amino acid position is highly conserved in available vertebrate species. In addition, the in silico prediction for this alteration is inconclusive. Further, based on internal structural analysis, this variant is anticipated to result in a decrease in protein function (Ambry Internal Data; Picaud S et al. J Inherit Metab Dis. 2011 Jun;34(3):671-6). Based on the supporting evidence, this alteration is interpreted as a disease-causing mutation.

PreventionGenetics, part of Exact Sciences
Classification: Pathogenic for FH-related condition. Last evaluated: 2023-05-12. Review status: criteria provided, single submitter. Criteria: ACMG Guidelines, 2015. Collection method: clinical testing. Allele origin: germline.
Comment: The FH c.1020T>A variant is predicted to result in the amino acid substitution p.Asn340Lys. This variant has previously been reported to be causative for hereditary leiomyomatosis and renal cell cancer in several individuals (Toro et al. 2003. PubMed ID: 12772087, HGMD/ClinVar listed as T891A; Wei et al. 2006. PubMed ID: 15937070, reported as c.891T>A (N297K); Joseph et al. 2015. PubMed ID: 26457356, reported as c.1020T>A, p.N340K; Rabban JT et al 2019. PubMed ID: 30741757). This variant is reported in 0.0018% of alleles in individuals of European (Non-Finnish) descent in gnomAD and is interpreted as likely pathogenic/pathogenic in ClinVar. This variant is interpreted as pathogenic.

Quest Diagnostics Nichols Institute San Juan Capistrano
Classification: Pathogenic. Last evaluated: 2022-12-30. Review status: criteria provided, single submitter. Criteria: Quest Diagnostics criteria. Collection method: clinical testing. Allele origin: unknown.
Comment: The FH c.1020T>A (p.Asn340Lys) variant (also known as 891T>A, N297K or N297D) has been reported in individuals with uterine fibroid/tumor (PMID: 30741757 (2019)) and HLRCC (PMIDs: 24441663 (2014), 16597677 (2006), 15937070 (2006), 12772087 (2003)). A cell line study indicated the variant caused significantly reduced FH enzyme activity in vitro (PMID: 16597677 (2006)). Analysis of this variant using bioinformatics tools for the prediction of the effect of amino acid changes on protein structure and function also yielded predictions that this variant is damaging. The frequency of this variant in the general population, 0.000012 (3/251316 chromosomes), is uninformative in assessment of its pathogenicity. Based on the available information, this variant is classified as pathogenic.

GeneDx
Classification: Pathogenic. Last evaluated: 2021-11-23. Review status: criteria provided, single submitter. Criteria: GeneDx Variant Classification Process June 2021. Collection method: clinical testing. Allele origin: germline. Affected: yes.
Comment: Not observed at a significant frequency in large population cohorts (Lek 2016); In silico analysis supports that this missense variant has a deleterious effect on protein structure/function; This variant is associated with the following publications: (PMID: 24684806, 21398687, 12772087, 23757202, 18366737, 28748451, 19939761, 28171700, 21445611, 24441663, 16597677, 26457356, 15937070, 31162287, 30741757)

Eurofins Ntd Llc (ga)
Classification: Likely pathogenic. Last evaluated: 2018-08-19. Review status: criteria provided, single submitter. Criteria: EGL ClinVar v180209 classification definitions. Collection method: clinical testing. Allele origin: germline. Observed: 1 variant allele, 1 heterozygote.

Genomic Diagnostic Laboratory, Division of Genomic Diagnostics, Children's Hospital of Philadelphia
Classification: Pathogenic for Hereditary leiomyomatosis and renal cell cancer. Last evaluated: 2017-01-17. Review status: criteria provided, single submitter. Criteria: DGD Variant Analysis Guidelines. Collection method: clinical testing. Allele origin: germline. Affected: yes. Observed: 11 variant alleles.
Comment: Clinical Testing

Literature cited by the submitters: PubMed 12772087 (cited by 3 submitters); PubMed 15937070 (cited by 4 submitters); PubMed 26457356 (cited by Labcorp Genetics (formerly Invitae), Labcorp and Women's Health and Genetics/Laboratory Corporation of America, LabCorp); PubMed 34994643 (cited by Women's Health and Genetics/Laboratory Corporation of America, LabCorp); PubMed 34654685 (cited by Women's Health and Genetics/Laboratory Corporation of America, LabCorp); PubMed 31831373 (cited by Women's Health and Genetics/Laboratory Corporation of America, LabCorp and Myriad Genetics, Inc.); PubMed 31162287 (cited by Myriad Genetics, Inc.); PubMed 24441663 (cited by Myriad Genetics, Inc. and Quest Diagnostics Nichols Institute San Juan Capistrano); PubMed 30741757 (cited by Ambry Genetics and Quest Diagnostics Nichols Institute San Juan Capistrano); PubMed 21445611 (cited by Quest Diagnostics Nichols Institute San Juan Capistrano); PubMed 16597677 (cited by Quest Diagnostics Nichols Institute San Juan Capistrano).